The following is an entry in ClinVar:

NM_016630.7(SPG21):c.64-232C>T

Gene: SPG21 (SPG21 abhydrolase domain containing, maspardin; minus strand). Cytogenetic location: 15q22.31.
Variant type: single nucleotide variant.
Coding change: c.64-232C>T on transcript NM_016630.7 (MANE Select); 232 bases into the intron before coding-DNA position 64, C replaced by T.
Molecular consequence: intron variant.
Genome position (GRCh38, 1-based): chr15:64,981,257, G>A on the plus strand (C>T on the coding strand, the complement: SPG21 is on the minus strand). VCF-style: chr15-64981257-G-A. GRCh37 (hg19) VCF-style: chr15-65273595-G-A.
Other names: c.64-232C>T (NM_001127890.5, NM_001127889.5).
Identifiers: ClinVar variation 670116 (VCV000670116.2), dbSNP rs4316701, ClinGen allele CA15836792.

ClinVar aggregate classification (germline): Benign. Review status: criteria provided, multiple submitters, no conflicts (2 of 4 stars). 2 submissions from 2 submitters: Benign (2). Last evaluated 2018-06-14.

Allele frequency attached by ClinVar (database versions not stated): gnomAD 0.34607 and 0.35206; TOPMed 0.35281; 1000 Genomes Project 30x 0.37227; 1000 Genomes Project 0.38079; gnomAD exomes 0.38430.
gnomAD v4.1: 182,018 of 486,284 alleles (37%); highest among the groups gnomAD compares: East Asian, 52%; 37,337 homozygotes.

Submissions (2):

GeneDx
Classification: Benign. Last evaluated: 2018-06-14. Review status: criteria provided, single submitter. Criteria: GeneDx Variant Classification (06012015). Collection method: clinical testing. Allele origin: germline. Affected: yes.
Comment: This variant is considered likely benign or benign based on one or more of the following criteria: it is a conservative change, it occurs at a poorly conserved position in the protein, it is predicted to be benign by multiple in silico algorithms, and/or has population frequency not consistent with disease.

Breakthrough Genomics
Classification: Benign. Review status: criteria provided, single submitter. Criteria: ACMG Guidelines, 2015. Collection method: not provided. Allele origin: germline. Inheritance: Autosomal recessive inheritance. Affected: yes.